The following is an entry in ClinVar:

ClinVar aggregate classification (germline): Uncertain significance (1 of 4 stars; one submission).

Conditions:
Arrhythmogenic cardiomyopathy with wooly hair and keratoderma. Also called: Arrhythmogenic cardiomyopathy with woolly hair and keratoderma; Carvajal syndrome; PALMOPLANTAR KERATODERMA WITH LEFT VENTRICULAR CARDIOMYOPATHY AND WOOLLY HAIR; Dilated cardiomyopathy with woolly hair and keratoderma. Identifiers: Orphanet 65282, MedGen C1854063, MONDO:0011581, OMIM 605676.
Arrhythmogenic right ventricular dysplasia 8 (ARVD8). Also called: Arrhythmogenic Right Ventricular Dysplasia/Cardiomyopathy 8; ARRHYTHMOGENIC RIGHT VENTRICULAR DYSPLASIA, FAMILIAL, 8; ARRHYTHMOGENIC RIGHT VENTRICULAR CARDIOMYOPATHY 8. Identifiers: MedGen C1843896, MONDO:0011831, OMIM 607450.

Submission:

Labcorp Genetics (formerly Invitae), Labcorp
Classification: Uncertain significance for Arrhythmogenic cardiomyopathy with wooly hair and keratoderma; Arrhythmogenic right ventricular dysplasia 8. Last evaluated: 2022-03-08. Review status: criteria provided, single submitter. Criteria: Invitae Variant Classification Sherloc (09022015). Collection method: clinical testing. Allele origin: germline.
Comment: This variant has not been reported in the literature in individuals affected with DSP-related conditions. This variant is not present in population databases (gnomAD no frequency). This sequence change replaces asparagine, which is neutral and polar, with histidine, which is basic and polar, at codon 304 of the DSP protein (p.Asn304His). Algorithms developed to predict the effect of missense changes on protein structure and function are either unavailable or do not agree on the potential impact of this missense change (SIFT: "Deleterious"; PolyPhen-2: "Benign"; Align-GVGD: "Class C0"). In summary, the available evidence is currently insufficient to determine the role of this variant in disease. Therefore, it has been classified as a Variant of Uncertain Significance.

NM_004415.4(DSP):c.910A>C (p.Asn304His)

Gene: DSP (desmoplakin; plus strand). Cytogenetic location: 6p24.3.
Variant type: single nucleotide variant.
Coding change: c.910A>C on transcript NM_004415.4 (MANE Select); coding-DNA position 910, A replaced by C.
Protein change: p.Asn304His; replaces asparagine 304 with histidine.
Molecular consequence: missense variant.
Genome position (GRCh38, 1-based): chr6:7,565,491, A>C. VCF-style: chr6-7565491-A-C. GRCh37 (hg19) VCF-style: chr6-7565724-A-C.
Other names: c.910A>C, p.Asn304His (NM_001008844.3, NM_001319034.2); short protein forms N304H.
Identifiers: ClinVar variation 1366269 (VCV001366269.8), dbSNP rs2113669485, ClinGen allele CA362674615.